The following is an entry in ClinVar:

NM_000051.4(ATM):c.2594G>T (p.Ser865Ile)

Gene: ATM (ATM serine/threonine kinase; plus strand). Cytogenetic location: 11q22.3.
Variant type: single nucleotide variant.
Coding change: c.2594G>T on transcript NM_000051.4 (MANE Select); coding-DNA position 2594, G replaced by T.
Protein change: p.Ser865Ile; replaces serine 865 with isoleucine.
Molecular consequence: missense variant.
Genome position (GRCh38, 1-based): chr11:108,267,298, G>T. VCF-style: chr11-108267298-G-T. GRCh37 (hg19) VCF-style: chr11-108138025-G-T.
Other names: c.2594G>T, p.Ser865Ile (NM_001351834.2); short protein forms S865I.
Identifiers: ClinVar variation 821458 (VCV000821458.5), dbSNP rs1591588450, ClinGen allele CA382544049.

ClinVar aggregate classification (germline): Uncertain significance. Review status: criteria provided, single submitter (1 of 4 stars). 2 submissions from 2 submitters: Uncertain significance (1). 1 of the submissions does not count toward it. Last evaluated 2019-09-19.

Conditions:
Ataxia-telangiectasia syndrome (AT). Also called: Cerebello-oculocutaneous telangiectasia; Immunodeficiency with ataxia telangiectasia; Ataxia-telangiectasia, complementation group E; Ataxia-telangiectasia, complementation group D; AT, COMPLEMENTATION GROUP C; ATAXIA-TELANGIECTASIA, COMPLEMENTATION GROUP A. Identifiers: Orphanet 100, MedGen C0004135, MONDO:0008840, OMIM 208900.
Hereditary cancer-predisposing syndrome. Also called: Hereditary Cancer Syndrome; Neoplastic Syndromes, Hereditary; Hereditary neoplastic syndrome; Tumor predisposition. Identifiers: Orphanet 140162, MedGen C0027672, MeSH D009386, MONDO:0015356.

Submissions (2):

Ambry Genetics
Classification: Uncertain significance for Hereditary cancer-predisposing syndrome. Last evaluated: 2019-09-19. Review status: criteria provided, single submitter. Criteria: Ambry Variant Classification Scheme 2023. Collection method: clinical testing. Allele origin: germline.
Comment: The p.S865I variant (also known as c.2594G>T), located in coding exon 16 of the ATM gene, results from a G to T substitution at nucleotide position 2594. The serine at codon 865 is replaced by isoleucine, an amino acid with dissimilar properties. This amino acid position is not well conserved in available vertebrate species. In addition, this alteration is predicted to be tolerated by in silico analysis. Since supporting evidence is limited at this time, the clinical significance of this alteration remains unclear.

Natera, Inc.
Classification: Uncertain significance for Ataxia-telangiectasia. Last evaluated: 2021-04-09. Review status: no assertion criteria provided. Collection method: clinical testing. Allele origin: germline. Not counted in ClinVar's aggregate classification.